The following is an entry in ClinVar:

ClinVar aggregate classification (germline): Uncertain significance. Review status: criteria provided, multiple submitters, no conflicts (2 of 4 stars). 5 submissions from 5 submitters: Uncertain significance (5). Last evaluated 2025-12-09.

Conditions:
Familial thoracic aortic aneurysm and aortic dissection (TAAD). Also called: Thoracic aortic aneurysms and dissections. Identifiers: Orphanet 91387, MedGen C4707243, MONDO:0019625.
Marfan syndrome (MFS). Also called: Marfan syndrome, classic; Marfan syndrome type 1; Marfan's syndrome; FBN1-Related Marfan Syndrome; MARFAN SYNDROME, TYPE I. Identifiers: Orphanet 284963, Orphanet 558, MedGen C0024796, MONDO:0007947, OMIM 154700.

Allele frequency attached by ClinVar (database versions not stated): TOPMed 0.00001; gnomAD 0.00001.
gnomAD v4.1: 1 of 1,611,032 alleles (0.000062%); highest among the groups gnomAD compares: Non-Finnish European, 0.000085%; no homozygotes.

Submissions (5):

Labcorp Genetics (formerly Invitae), Labcorp
Classification: Uncertain significance for Marfan syndrome; Familial thoracic aortic aneurysm and aortic dissection. Last evaluated: 2025-12-09. Review status: criteria provided, single submitter. Criteria: Invitae Variant Classification Sherloc (09022015). Collection method: clinical testing. Allele origin: germline.
Comment: This sequence change replaces asparagine, which is neutral and polar, with serine, which is neutral and polar, at codon 923 of the FBN1 protein (p.Asn923Ser). This variant is not present in population databases (gnomAD no frequency). This missense change has been observed in individual(s) with clinical features of thoracic aortic aneurysm and aortic dissection (internal data). ClinVar contains an entry for this variant (Variation ID: 923997). Invitae Evidence Modeling of protein sequence and biophysical properties (such as structural, functional, and spatial information, amino acid conservation, physicochemical variation, residue mobility, and thermodynamic stability) indicates that this missense variant is expected to disrupt FBN1 protein function with a positive predictive value of 95%. In summary, the available evidence is currently insufficient to determine the role of this variant in disease. Therefore, it has been classified as a Variant of Uncertain Significance.

Women's Health and Genetics/Laboratory Corporation of America, LabCorp
Classification: Uncertain significance. Last evaluated: 2025-04-18. Review status: criteria provided, single submitter. Criteria: LabCorp Variant Classification Summary - May 2015. Collection method: clinical testing. Allele origin: germline.
Comment: Variant summary: FBN1 c.2768A>G (p.Asn923Ser) results in a conservative amino acid change in the encoded protein sequence. Four of five in-silico tools predict a damaging effect of the variant on protein function. The variant was absent in 251414 control chromosomes. The available data on variant occurrences in the general population are insufficient to allow any conclusion about variant significance. To our knowledge, no occurrence of c.2768A>G in individuals affected with Aortopathy and no experimental evidence demonstrating its impact on protein function have been reported. ClinVar contains an entry for this variant (Variation ID: 923997). Based on the evidence outlined above, the variant was classified as uncertain significance.

Color Diagnostics, LLC DBA Color Health
Classification: Uncertain significance for Familial thoracic aortic aneurysm and aortic dissection. Last evaluated: 2025-04-15. Review status: criteria provided, single submitter. Criteria: ACMG Guidelines, 2015. Collection method: clinical testing. Allele origin: germline.
Comment: Variant of Uncertain Significance due to insufficient evidence: This missense variant replaces asparagine with serine at codon 923 of the FBN1 protein. Computational prediction tools and conservation analyses are inconclusive regarding the impact of this variant on the protein function. Computational splicing tools suggest that this variant may not impact RNA splicing. To our knowledge, functional assays have not been performed for this variant nor has this variant been reported in individuals affected with cardiovascular disorders in the literature. This variant is rare in the general population and has been identified in 0/277264 chromosomes by the Genome Aggregation Database (gnomAD). Available evidence is insufficient to determine the role of this variant in disease conclusively.

All of Us Research Program, National Institutes of Health
Classification: Uncertain significance for Marfan syndrome. Last evaluated: 2023-02-10. Review status: criteria provided, single submitter. Criteria: ACMG Guidelines, 2015. Collection method: clinical testing. Allele origin: germline. Inheritance: Autosomal dominant inheritance. Observed: 1 variant allele, 1 heterozygote.
Comment: Variant of Uncertain Significance due to insufficient evidence: This missense variant replaces asparagine with serine at codon 923 of the FBN1 protein. Computational prediction tools and conservation analyses are inconclusive regarding the impact of this variant on the protein function. Computational splicing tools suggest that this variant may not impact RNA splicing. To our knowledge, functional assays have not been performed for this variant nor has this variant been reported in individuals affected with cardiovascular disorders in the literature. This variant is rare in the general population and has been identified in 0/277264 chromosomes by the Genome Aggregation Database (gnomAD). Available evidence is insufficient to determine the role of this variant in disease conclusively.

This study involves interpretation of variants in research participants for the purpose of population health screening. Participant phenotype was not available at the time of variant classification. Additional details can be found in publication PMID: 35346344, PMCID: PMC8962531

Ambry Genetics
Classification: Uncertain significance for Familial thoracic aortic aneurysm and aortic dissection. Last evaluated: 2022-02-16. Review status: criteria provided, single submitter. Criteria: Ambry Variant Classification Scheme 2023. Collection method: clinical testing. Allele origin: germline.
Comment: The p.N923S variant (also known as c.2768A>G), located in coding exon 23 of the FBN1 gene, results from an A to G substitution at nucleotide position 2768. The asparagine at codon 923 is replaced by serine, an amino acid with highly similar properties. This amino acid position is highly conserved in available vertebrate species. In addition, the in silico prediction for this alteration is inconclusive. Since supporting evidence is limited at this time, the clinical significance of this alteration remains unclear.

NM_000138.5(FBN1):c.2768A>G (p.Asn923Ser)

Gene: FBN1 (fibrillin 1; minus strand). Cytogenetic location: 15q21.1.
Variant type: single nucleotide variant.
Coding change: c.2768A>G on transcript NM_000138.5 (MANE Select); coding-DNA position 2768, A replaced by G.
Protein change: p.Asn923Ser; replaces asparagine 923 with serine.
Molecular consequence: missense variant.
Genome position (GRCh38, 1-based): chr15:48,492,547, T>C on the plus strand (A>G on the coding strand, the complement: FBN1 is on the minus strand). VCF-style: chr15-48492547-T-C. GRCh37 (hg19) VCF-style: chr15-48784744-T-C.
Other names: short protein forms N923S.
Identifiers: ClinVar variation 923997 (VCV000923997.18), dbSNP rs1220842179, ClinGen allele CA392330756.